The following is an entry in ClinVar:

NM_001267550.2(TTN):c.66710del (p.Lys22237fs)

Genes: TTN (titin; minus strand), TTN-AS1 (TTN antisense RNA 1; plus strand). Cytogenetic location: 2q31.2.
Variant type: Deletion.
Coding change: c.66710del on transcript NM_001267550.2 (MANE Select); coding-DNA position 66710, one base deleted (A; older notation c.66710delA).
Protein change: p.Lys22237fs; shifts the reading frame from lysine 22237.
Molecular consequence: frameshift variant.
Genome position (GRCh38, 1-based): chr2:178,581,558, T deleted on the plus strand (A on the coding strand, the reverse complement: TTN is on the minus strand); the first of 2 consecutive T bases (chr2:178,581,558-178,581,559); deleting either gives the same sequence. VCF-style (leftmost placement, unchanged base first): chr2-178581557-CT-C. GRCh37 (hg19) VCF-style: chr2-179446284-CT-C.
Other names: c.61787del, p.Lys20596fs (NM_001256850.1); c.40091del, p.Lys13364fs (NM_133437.4); c.39515del, p.Lys13172fs (NM_003319.4); c.59006del, p.Lys19669fs (NM_133378.4); c.39890del, p.Lys13297fs (NM_133432.3); c.66710delA (NM_001267550.2); short protein forms K13364fs, K19669fs, K22237fs, K13172fs, K13297fs, K20596fs.
Identifiers: ClinVar variation 404884 (VCV000404884.12), dbSNP rs1060500479, ClinGen allele CA16610390.

ClinVar aggregate classification (germline): Likely pathogenic. Review status: criteria provided, single submitter (1 of 4 stars). 2 submissions from 1 submitter: Likely pathogenic (2). Last evaluated 2016-07-31.

Conditions:
Dilated cardiomyopathy 1G (CMD1G). Identifiers: Orphanet 154, MedGen C1858763, MONDO:0011400, OMIM 604145.
Autosomal recessive limb-girdle muscular dystrophy type 2J (LGMDR10). Also called: Limb-girdle muscular dystrophy, type 2J; MUSCULAR DYSTROPHY, LIMB-GIRDLE, AUTOSOMAL RECESSIVE 10. Identifiers: Orphanet 140922, MedGen C1837342, MONDO:0012127, OMIM 608807.

Submissions (2):

Labcorp Genetics (formerly Invitae), Labcorp
Classification: Likely pathogenic for Dilated cardiomyopathy 1G. Last evaluated: 2016-07-31. Review status: criteria provided, single submitter. Criteria: Invitae Variant Classification Sherloc (09022015). Collection method: clinical testing. Allele origin: germline.
Comment: This sequence change deletes 1 nucleotide from exon 316 of the TTN mRNA (c.66710delA), causing a frameshift at codon 22237. This creates a premature translational stop signal (p.Lys22237Argfs*20). While this is not anticipated to result in nonsense mediated decay, it is expected to result in a truncated TTN protein. This variant is found in the A-band of this gene. While this particular variant has not been reported in the literature, truncating variants in the A-band of TTN are significantly overrepresented in patients with dilated cardiomyopathy and are considered to be likely pathogenic for the disease (PMID: 25589632). For these reasons, this variant has been classified as Likely Pathogenic.

Labcorp Genetics (formerly Invitae), Labcorp
Classification: Likely pathogenic for Dilated cardiomyopathy 1G; Autosomal recessive limb-girdle muscular dystrophy type 2J. Last evaluated: 2016-07-31. Review status: criteria provided, single submitter. Criteria: Invitae Variant Classification Sherloc (09022015). Collection method: clinical testing. Allele origin: germline.
Comment: For these reasons, this variant has been classified as Likely Pathogenic. This variant is found in the A-band of this gene. While this particular variant has not been reported in the literature, truncating variants in the A-band of TTN are significantly overrepresented in patients with dilated cardiomyopathy and are considered to be likely pathogenic for the disease (PMID: 25589632). This sequence change deletes 1 nucleotide from exon 316 of the TTN mRNA (c.66710delA), causing a frameshift at codon 22237. This creates a premature translational stop signal (p.Lys22237Argfs*20). While this is not anticipated to result in nonsense mediated decay, it is expected to result in a truncated TTN protein.

Literature cited by the submitters: PubMed 25589632.